The following is an entry in ClinVar:

ClinVar aggregate classification (germline): Uncertain significance (1 of 4 stars; one submission).

Submission:

GeneDx
Classification: Uncertain significance. Last evaluated: 2024-01-12. Review status: criteria provided, single submitter. Criteria: GeneDx Variant Classification Process June 2021. Collection method: clinical testing. Allele origin: germline. Affected: yes.
Comment: Not observed at significant frequency in large population cohorts (gnomAD); In silico analysis suggests this variant may impact gene splicing. In the absence of RNA/functional studies, the actual effect of this sequence change is unknown.; Has not been previously published as pathogenic or benign to our knowledge

NM_005618.4(DLL1):c.54+5G>A

Gene: DLL1 (delta like canonical Notch ligand 1; minus strand). Cytogenetic location: 6q27.
Variant type: single nucleotide variant.
Coding change: c.54+5G>A on transcript NM_005618.4 (MANE Select); 5 bases into the intron after coding-DNA position 54, G replaced by A.
Molecular consequence: intron variant.
Genome position (GRCh38, 1-based): chr6:170,290,081, C>T on the plus strand (G>A on the coding strand, the complement: DLL1 is on the minus strand). VCF-style: chr6-170290081-C-T. GRCh37 (hg19) VCF-style: chr6-170599169-C-T.
Identifiers: ClinVar variation 3367805 (VCV003367805.1).
Genomic context (GRCh38, chr6:170,290,081, plus strand): 5'-CTGCCCCGCGCCCCGGCTACCCGTGAGACCCCGCGGGGCCGCGGCGCCCCCACCTGCCCG[C>T]CTACCTGACACAGCAAGGCCGAGAGCACCGCCAGGGCCAGCGCGCACCGACTGCCCATGC-3'